The following is an entry in ClinVar:

ClinVar aggregate classification (germline): Uncertain significance (1 of 4 stars; one submission).

Allele frequency attached by ClinVar (database versions not stated): gnomAD exomes 0.00001; ExAC 0.00003.
gnomAD v4.1: 16 of 1,613,772 alleles (0.00099%); highest among the groups gnomAD compares: Middle Eastern, 0.017%; no homozygotes.

Submission:

CeGaT Center for Human Genetics Tuebingen
Classification: Uncertain significance. Last evaluated: 2024-05-01. Review status: criteria provided, single submitter. Criteria: CeGaT Center For Human Genetics Tuebingen Variant Classification Criteria Version 2. Collection method: clinical testing. Allele origin: germline. Affected: yes. Observed: 1 variant allele.
Comment: PTCD3: PM2, BP4

NM_017952.6(PTCD3):c.1387G>A (p.Asp463Asn)

Gene: PTCD3 (pentatricopeptide repeat domain 3; plus strand). Cytogenetic location: 2p11.2.
Variant type: single nucleotide variant.
Coding change: c.1387G>A on transcript NM_017952.6 (MANE Select); coding-DNA position 1387, G replaced by A.
Protein change: p.Asp463Asn; replaces aspartic acid 463 with asparagine.
Molecular consequence: missense variant.
Genome position (GRCh38, 1-based): chr2:86,133,191, G>A. VCF-style: chr2-86133191-G-A. GRCh37 (hg19) VCF-style: chr2-86360314-G-A.
Other names: short protein forms D463N.
Identifiers: ClinVar variation 3239252 (VCV003239252.19), dbSNP rs778632544.